The following is an entry in ClinVar:

NM_007294.4(BRCA1):c.768G>C (p.Arg256Ser)

Gene: BRCA1 (BRCA1 DNA repair associated; minus strand). Cytogenetic location: 17q21.31.
Variant type: single nucleotide variant.
Coding change: c.768G>C on transcript NM_007294.4 (MANE Select); coding-DNA position 768, G replaced by C.
Protein change: p.Arg256Ser; replaces arginine 256 with serine.
Molecular consequence: missense variant. On other transcripts: non-coding transcript variant (1).
Genome position (GRCh38, 1-based): chr17:43,094,763, C>G on the plus strand (G>C on the coding strand, the complement: BRCA1 is on the minus strand). VCF-style: chr17-43094763-C-G. GRCh37 (hg19) VCF-style: chr17-41246780-C-G.
Other names: c.765G>C, p.Arg255Ser (NM_001407611.1, NM_001407612.1, NM_001407613.1 and 38 more transcripts); c.768G>C, p.Arg256Ser (NM_001407616.1, NM_001407617.1, NM_001407618.1 and 54 more transcripts); c.759G>C, p.Arg253Ser (NM_001407646.1, NM_001407647.1, NM_001408408.1); c.645G>C, p.Arg215Ser (NM_001407648.1, NM_001407664.1, NM_001407665.1 and 34 more transcripts); c.642G>C, p.Arg214Ser (NM_001407649.1, NM_001407670.1, NM_001407671.1 and 20 more transcripts); c.690G>C, p.Arg230Ser (NM_001407653.1, NM_001407654.1, NM_001407655.1 and 9 more transcripts); c.687G>C, p.Arg229Ser (NM_001407659.1, NM_001407660.1, NM_001407661.1 and 3 more transcripts); c.627G>C, p.Arg209Ser (NM_001407692.1, NM_001407694.1, NM_001407695.1 and 43 more transcripts); and 14 more; short protein forms R256S, R209S, R128S, R129S, R167S, R211S, R214S, R145S.
Identifiers: ClinVar variation 827196 (VCV000827196.7), dbSNP rs746067447, ClinGen allele CA10600548.

ClinVar aggregate classification (germline): Conflicting classifications of pathogenicity. Review status: criteria provided, conflicting classifications (1 of 4 stars). 2 submissions from 2 submitters: Uncertain significance (1); Likely benign (1). Last evaluated 2023-03-23.

Conditions:
Hereditary cancer-predisposing syndrome. Also called: Neoplastic Syndromes, Hereditary; Tumor predisposition; Hereditary neoplastic syndrome; Hereditary Cancer Syndrome. Identifiers: Orphanet 140162, MedGen C0027672, MeSH D009386, MONDO:0015356.

Submissions (2):

University of Washington Department of Laboratory Medicine, University of Washington
Classification: Likely benign for Hereditary cancer-predisposing syndrome. Last evaluated: 2023-03-23. Review status: criteria provided, single submitter. Criteria: Dines et al. (Genet Med. 2020). Collection method: curation. Allele origin: germline.
Comment: Missense variant in a coldspot region where missense variants are very unlikely to be pathogenic (PMID:31911673).

BRCA1 coldspot (exon 11 using historical exon numbering). Reclassification based on statistical prior probability

Ambry Genetics
Classification: Uncertain significance for Hereditary cancer-predisposing syndrome. Last evaluated: 2019-04-05. Review status: criteria provided, single submitter. Criteria: Ambry Variant Classification Scheme 2023. Collection method: clinical testing. Allele origin: germline.
Comment: The p.R256S variant (also known as c.768G>C), located in coding exon 9 of the BRCA1 gene, results from a G to C substitution at nucleotide position 768. The arginine at codon 256 is replaced by serine, an amino acid with dissimilar properties. This amino acid position is poorly conserved in available vertebrate species. In addition, this alteration is predicted to be deleterious by in silico analysis. Since supporting evidence is limited at this time, the clinical significance of this alteration remains unclear.